The following is an entry in ClinVar:

ClinVar aggregate classification (germline): Uncertain significance (1 of 4 stars; one submission).

Allele frequency attached by ClinVar (database versions not stated): gnomAD exomes below 0.00001; ExAC 0.00001.
gnomAD v4.1: 2 of 1,614,142 alleles (0.00012%); highest among the groups gnomAD compares: Admixed American, 0.0017%; no homozygotes.

Submission:

GeneDx
Classification: Uncertain significance. Last evaluated: 2021-05-10. Review status: criteria provided, single submitter. Criteria: GeneDx Variant Classification Process June 2021. Collection method: clinical testing. Allele origin: germline. Affected: yes.
Comment: In silico analysis, which includes protein predictors and evolutionary conservation, supports that this variant does not alter protein structure/function; Has not been previously published as pathogenic or benign to our knowledge

NM_001127453.2(GSDME):c.1100T>C (p.Leu367Ser)

Gene: GSDME (gasdermin E; minus strand). Cytogenetic location: 7p15.3.
Variant type: single nucleotide variant.
Coding change: c.1100T>C on transcript NM_001127453.2 (MANE Select); coding-DNA position 1100, T replaced by C.
Protein change: p.Leu367Ser; replaces leucine 367 with serine.
Molecular consequence: missense variant.
Genome position (GRCh38, 1-based): chr7:24,706,267, A>G on the plus strand (T>C on the coding strand, the complement: GSDME is on the minus strand). VCF-style: chr7-24706267-A-G. GRCh37 (hg19) VCF-style: chr7-24745886-A-G.
Other names: c.608T>C, p.Leu203Ser (NM_001127454.2); c.1100T>C, p.Leu367Ser (NM_004403.3); short protein forms L203S, L367S.
Identifiers: ClinVar variation 1219084 (VCV001219084.3), dbSNP rs780811982, ClinGen allele CA4191410.